The following is an entry in ClinVar:

NC_000016.10:g.(89740867_89742799)_(89816657_?)del

Genes: ZNF276 (zinc finger protein 276; plus strand), FANCA (FA complementation group A; minus strand). Cytogenetic location: 16q24.3.
Variant type: Deletion.
Identifiers: ClinVar variation 974182 (VCV000974182.1).

ClinVar aggregate classification (germline): Pathogenic (0 of 4 stars; one submission).

Conditions:
Fanconi anemia complementation group A (FANCA). Also called: Fanconi anemia, group A; FANCA-Related Fanconi Anemia. Identifiers: Orphanet 84, MedGen C3469521, MONDO:0009215, OMIM 227650.

Submission:

Leiden Open Variation Database
Classification: Pathogenic for Fanconi anemia complementation group A. Last evaluated: 2020-02-28. Review status: no assertion criteria provided. Collection method: curation. Allele origin: germline. Affected: yes.
Comment: Curator: Arleen D. Auerbach. Submitter to LOVD: Arleen D. Auerbach.